The following is an entry in ClinVar:

ClinVar aggregate classification (germline): Uncertain significance (1 of 4 stars; one submission).

Conditions:
Kabuki syndrome. Also called: NIIKAWA-KUROKI SYNDROME; Kabuki make-up syndrome. Identifiers: Orphanet 2322, MedGen C0796004, MONDO:0016512.

Submission:

Labcorp Genetics (formerly Invitae), Labcorp
Classification: Uncertain significance for Kabuki syndrome. Last evaluated: 2025-03-31. Review status: criteria provided, single submitter. Criteria: Invitae Variant Classification Sherloc (09022015). Collection method: clinical testing. Allele origin: germline.
Comment: This sequence change replaces glycine, which is neutral and non-polar, with arginine, which is basic and polar, at codon 4453 of the KMT2D protein (p.Gly4453Arg). This variant is not present in population databases (gnomAD no frequency). This variant has not been reported in the literature in individuals affected with KMT2D-related conditions. Invitae Evidence Modeling of protein sequence and biophysical properties (such as structural, functional, and spatial information, amino acid conservation, physicochemical variation, residue mobility, and thermodynamic stability) indicates that this missense variant is not expected to disrupt KMT2D protein function with a negative predictive value of 95%. In summary, the available evidence is currently insufficient to determine the role of this variant in disease. Therefore, it has been classified as a Variant of Uncertain Significance.

NM_003482.4(KMT2D):c.13357G>C (p.Gly4453Arg)

Gene: KMT2D (lysine methyltransferase 2D; minus strand). Cytogenetic location: 12q13.12.
Variant type: single nucleotide variant.
Coding change: c.13357G>C on transcript NM_003482.4 (MANE Select); coding-DNA position 13357, G replaced by C.
Protein change: p.Gly4453Arg; replaces glycine 4453 with arginine.
Molecular consequence: missense variant.
Genome position (GRCh38, 1-based): chr12:49,031,348, C>G on the plus strand (G>C on the coding strand, the complement: KMT2D is on the minus strand). VCF-style: chr12-49031348-C-G. GRCh37 (hg19) VCF-style: chr12-49425131-C-G.
Other names: short protein forms G4453R.
Identifiers: ClinVar variation 4801189 (VCV004801189.1).